The following is an entry in ClinVar:

NM_000207.3(INS):c.100C>G (p.His34Asp)

Genes: INS (insulin; minus strand), INS-IGF2 (INS-IGF2 readthrough; minus strand). Cytogenetic location: 11p15.5.
Variant type: single nucleotide variant.
Coding change: c.100C>G on transcript NM_000207.3 (MANE Select); coding-DNA position 100, C replaced by G.
Protein change: p.His34Asp; replaces histidine 34 with aspartic acid.
Molecular consequence: missense variant. On other transcripts: non-coding transcript variant (1).
Genome position (GRCh38, 1-based): chr11:2,160,872, G>C on the plus strand (C>G on the coding strand, the complement: INS is on the minus strand). VCF-style: chr11-2160872-G-C. GRCh37 (hg19) VCF-style: chr11-2182102-G-C.
Other names: H10D; c.100C>G, p.His34Asp (NM_001185097.2, NM_001185098.2, NM_001291897.2 and 1 more transcripts); short protein forms H34D.
Identifiers: ClinVar variation 13379 (VCV000013379.2), dbSNP rs121918101, ClinGen allele CA123078.
Genomic context (GRCh38, chr11:2,160,872, plus strand): 5'-TCTTGGGTGTGTAGAAGAAGCCTCGTTCCCCGCACACTAGGTAGAGAGCTTCCACCAGGT[G>C]TGAGCCGCACAGGTGTTGGTTCACAAAGGCTGCGGCTGGGTCAGGTCCCCAGAGGGCCAG-3'
Protein context (NP_000198.1, residues 24-44): AFVNQHLCGS[His34Asp]LVEALYLVCG

ClinVar aggregate classification (germline): Uncertain significance. Review status: criteria provided, single submitter (1 of 4 stars). 2 submissions from 2 submitters: Uncertain significance (1). 1 of the submissions does not count toward it.

Conditions:
Hyperproinsulinemia. Identifiers: MedGen C0342283, MONDO:0014535, OMIM 616214.

Submissions (2):

Clinical Genomics, Uppaluri K&H Personalized Medicine Clinic
Classification: Uncertain significance for Hyperproinsulinemia. Review status: criteria provided, single submitter. Criteria: K &amp; H Uppaluri Personalized Medicine Clinic Variant Classification &amp; Assertion Criteria_Updated V.1. Collection method: research. Allele origin: unknown. Inheritance: Autosomal dominant inheritance.
Comment: Potent mutations in the INS gene can cause early onset diabetes mellitus which is insulin dependent. May have poor response to sulfonylureas, mutations in this gene can cause beta cell destruction.However, more evidence is required to confer the association of this particular variant rs121918101 with hyperproinsulineria.

OMIM
Classification: Pathogenic for HYPERPROINSULINEMIA. Last evaluated: 1988-12-01. Review status: no assertion criteria provided. Collection method: literature only. Allele origin: germline. Not counted in ClinVar's aggregate classification.

Literature cited by the submitters: PubMed 3306677 (cited by Clinical Genomics, Uppaluri K&H Personalized Medicine Clinic and OMIM); PubMed 6382002 (cited by OMIM); PubMed 2991050 (cited by OMIM); PubMed 3470784 (cited by OMIM); PubMed 3057496 (cited by OMIM).